The following is an entry in ClinVar:

NM_004370.6(COL12A1):c.8801A>G (p.Tyr2934Cys)

Gene: COL12A1 (collagen type XII alpha 1 chain; minus strand). Cytogenetic location: 6q13.
Variant type: single nucleotide variant.
Coding change: c.8801A>G on transcript NM_004370.6 (MANE Select); coding-DNA position 8801, A replaced by G.
Protein change: p.Tyr2934Cys; replaces tyrosine 2934 with cysteine.
Molecular consequence: missense variant.
Genome position (GRCh38, 1-based): chr6:75,090,250, T>C on the plus strand (A>G on the coding strand, the complement: COL12A1 is on the minus strand). VCF-style: chr6-75090250-T-C. GRCh37 (hg19) VCF-style: chr6-75799966-T-C.
Other names: c.5309A>G, p.Tyr1770Cys (NM_080645.3); short protein forms Y1770C, Y2934C.
Identifiers: ClinVar variation 2574931 (VCV002574931.1), dbSNP rs2533032047, ClinGen allele CA364735216.

ClinVar aggregate classification (germline): Uncertain significance (1 of 4 stars; one submission).

Submission:

GeneDx
Classification: Uncertain significance. Last evaluated: 2023-02-06. Review status: criteria provided, single submitter. Criteria: GeneDx Variant Classification Process June 2021. Collection method: clinical testing. Allele origin: germline. Affected: yes.
Comment: Not observed at significant frequency in large population cohorts (gnomAD); In silico analysis supports that this missense variant does not alter protein structure/function; Has not been previously published as pathogenic or benign to our knowledge